The following is an entry in ClinVar:

ClinVar aggregate classification (germline): Uncertain significance (1 of 4 stars; one submission).

gnomAD v4.1: 1 of 1,614,146 alleles (0.000062%); highest among the groups gnomAD compares: East Asian, 0.0022%; no homozygotes.

Submission:

Ambry Genetics
Classification: Uncertain significance. Last evaluated: 2026-03-31. Review status: criteria provided, single submitter. Criteria: Ambry Variant Classification Scheme 2023. Collection method: clinical testing. Allele origin: germline.
Comment: The p.Q588* variant (also known as c.1762C>T), located in coding exon 9 of the ATRIP gene, results from a C to T substitution at nucleotide position 1762. This changes the amino acid from a glutamine to a stop codon within coding exon 9. The evidence for this gene-disease relationship is limited; therefore, the clinical significance of this variant is unclear.

NM_130384.3(ATRIP):c.1762C>T (p.Gln588Ter)

Genes: ATRIP (ATR interacting protein; plus strand), ATRIP-TREX1 (ATRIP-TREX1 readthrough; plus strand). Cytogenetic location: 3p21.31.
Variant type: single nucleotide variant.
Coding change: c.1762C>T on transcript NM_130384.3 (MANE Select); coding-DNA position 1762, C replaced by T.
Protein change: p.Gln588Ter; replaces glutamine 588 with a stop codon.
Molecular consequence: nonsense. On other transcripts: non-coding transcript variant (1).
Genome position (GRCh38, 1-based): chr3:48,463,761, C>T. VCF-style: chr3-48463761-C-T. GRCh37 (hg19) VCF-style: chr3-48505160-C-T.
Other names: c.1381C>T, p.Gln461Ter (NM_001271022.2); c.1483C>T, p.Gln495Ter (NM_001271023.2); c.1762C>T, p.Gln588Ter (NM_032166.4); short protein forms Q461*, Q495*, Q588*.
Identifiers: ClinVar variation 4867196 (VCV004867196.1).